The following is an entry in ClinVar:

NM_005343.4(HRAS):c.484G>A (p.Glu162Lys)

Genes: HRAS (HRas proto-oncogene, GTPase; minus strand), LRRC56 (leucine rich repeat containing 56; plus strand). Cytogenetic location: 11p15.5.
Variant type: single nucleotide variant.
Coding change: c.484G>A on transcript NM_005343.4 (MANE Select); coding-DNA position 484, G replaced by A.
Protein change: p.Glu162Lys; replaces glutamic acid 162 with lysine.
Molecular consequence: missense variant. On other transcripts: 3 prime UTR variant (1).
Genome position (GRCh38, 1-based): chr11:532,722, C>T on the plus strand (G>A on the coding strand, the complement: HRAS is on the minus strand). VCF-style: chr11-532722-C-T. GRCh37 (hg19) VCF-style: chr11-532722-C-T.
Other names: c.484G>A, p.Glu162Lys (NM_001130442.3); c.247G>A, p.Glu83Lys (NM_001318054.2); c.*53G>A (NM_176795.5); short protein forms E162K, E83K.
Identifiers: ClinVar variation 1034833 (VCV001034833.11), dbSNP rs1564787942, ClinGen allele CA378921167.

ClinVar aggregate classification (germline): Uncertain significance. Review status: criteria provided, multiple submitters, no conflicts (2 of 4 stars). 2 submissions from 2 submitters: Uncertain significance (2). Last evaluated 2025-06-17.

Conditions:
Costello syndrome (CSTLO). Also called: HRAS-Related Costello Syndrome; FACIOCUTANEOSKELETAL SYNDROME; FCS SYNDROME. Identifiers: Orphanet 3071, MedGen C0587248, MONDO:0009026, OMIM 218040.

Allele frequency attached by ClinVar (database versions not stated): gnomAD exomes below 0.00001.
gnomAD v4.1: 3 of 1,613,150 alleles (0.00019%); highest among the groups gnomAD compares: Non-Finnish European, 0.00025%; no homozygotes.

Submissions (2):

Labcorp Genetics (formerly Invitae), Labcorp
Classification: Uncertain significance for Costello syndrome. Last evaluated: 2025-06-17. Review status: criteria provided, single submitter. Criteria: Invitae Variant Classification Sherloc (09022015). Collection method: clinical testing. Allele origin: germline.
Comment: This sequence change replaces glutamic acid, which is acidic and polar, with lysine, which is basic and polar, at codon 162 of the HRAS protein (p.Glu162Lys). This variant is not present in population databases (gnomAD no frequency). This variant has not been reported in the literature in individuals affected with HRAS-related conditions. ClinVar contains an entry for this variant (Variation ID: 1034833). Invitae Evidence Modeling of protein sequence and biophysical properties (such as structural, functional, and spatial information, amino acid conservation, physicochemical variation, residue mobility, and thermodynamic stability) has been performed for this missense variant. However, the output from this modeling did not meet the statistical confidence thresholds required to predict the impact of this variant on HRAS protein function. In summary, the available evidence is currently insufficient to determine the role of this variant in disease. Therefore, it has been classified as a Variant of Uncertain Significance.

GeneDx
Classification: Uncertain significance. Last evaluated: 2020-07-13. Review status: criteria provided, single submitter. Criteria: GeneDx Variant Classification Process June 2021. Collection method: clinical testing. Allele origin: germline. Affected: yes.
Comment: Has not been previously published as pathogenic or benign to our knowledge; In silico analysis, which includes protein predictors and evolutionary conservation, supports a deleterious effect; Missense variants in this gene are commonly considered pathogenic (Stenson et al., 2014)